The following is an entry in ClinVar:

NM_000527.4:c.[932A>G;939C>G]

Variant type: Haplotype.
Identifiers: ClinVar variation 430769 (VCV000430769.3).

ClinVar aggregate classification (germline): Pathogenic (1 of 4 stars; one submission).

Conditions:
Hypercholesterolemia, familial, 1. Also called: LDL RECEPTOR DISORDER; Hyperlipoproteinemia Type IIa; HYPER-LOW-DENSITY-LIPOPROTEINEMIA; HYPERCHOLESTEROLEMIC XANTHOMATOSIS, FAMILIAL; Fredrickson type IIa hyperlipoproteinemia; Hyperlipoproteinemia type 2. Identifiers: Orphanet 391665, MedGen C0745103, MONDO:0007750, OMIM 143890.

Submission:

U4M - Lille University & CHRU Lille, Université de Lille - CHRU de Lille
Classification: Pathogenic for Familial Hypercholesterolemia. Last evaluated: 2017-03-30. Review status: criteria provided, single submitter. Criteria: ACMG Guidelines, 2015. Collection method: clinical testing. Allele origin: germline. Affected: yes. Observed: 9 variant alleles. Clinical features observed: Hyperbetalipoproteinemia (HP:0003141), Hypercholesterolemia (HP:0003124).
Comment: ACMG Guidelines: Pathogenic (ii)